The following is an entry in ClinVar:

NM_001040108.2(MLH3):c.1697C>T (p.Pro566Leu)

Gene: MLH3 (mutL homolog 3; minus strand). Cytogenetic location: 14q24.3.
Variant type: single nucleotide variant.
Coding change: c.1697C>T on transcript NM_001040108.2 (MANE Select); coding-DNA position 1697, C replaced by T.
Protein change: p.Pro566Leu; replaces proline 566 with leucine.
Molecular consequence: missense variant.
Genome position (GRCh38, 1-based): chr14:75,047,959, G>A on the plus strand (C>T on the coding strand, the complement: MLH3 is on the minus strand). VCF-style: chr14-75047959-G-A. GRCh37 (hg19) VCF-style: chr14-75514662-G-A.
Other names: c.1697C>T, p.Pro566Leu (NM_014381.3); short protein forms P566L.
Identifiers: ClinVar variation 1778249 (VCV001778249.2), dbSNP rs2139578093, ClinGen allele CA390444607.

ClinVar aggregate classification (germline): Uncertain significance (1 of 4 stars; one submission).

Submission:

Ambry Genetics
Classification: Uncertain significance. Last evaluated: 2021-11-10. Review status: criteria provided, single submitter. Criteria: Ambry Variant Classification Scheme 2023. Collection method: clinical testing. Allele origin: germline.
Comment: The p.P566L variant (also known as c.1697C>T), located in coding exon 1 of the MLH3 gene, results from a C to T substitution at nucleotide position 1697. The proline at codon 566 is replaced by leucine, an amino acid with similar properties. This amino acid position is conserved. In addition, this alteration is predicted to be tolerated by in silico analysis. Since supporting evidence is limited at this time, the clinical significance of this alteration remains unclear.